The following is an entry in ClinVar:

ClinVar aggregate classification (germline): Uncertain significance (1 of 4 stars; one submission).

Conditions:
Hereditary cancer-predisposing syndrome. Also called: Neoplastic Syndromes, Hereditary; Tumor predisposition; Hereditary Cancer Syndrome; Hereditary neoplastic syndrome. Identifiers: Orphanet 140162, MedGen C0027672, MeSH D009386, MONDO:0015356.

Submission:

Ambry Genetics
Classification: Uncertain significance for Hereditary cancer-predisposing syndrome. Last evaluated: 2026-03-10. Review status: criteria provided, single submitter. Criteria: Ambry Variant Classification Scheme 2023. Collection method: clinical testing. Allele origin: germline.
Comment: The c.-5G>C variant is located in the 5' untranslated region (5&rsquo; UTR) of the FH gene. This variant results from a G to C substitution 5 bases upstream from the first translated codon. This nucleotide position is well conserved in available vertebrate species. Based on the available evidence, the clinical significance of this variant remains unclear.

NM_000143.4(FH):c.-5G>C

Gene: FH (fumarate hydratase; minus strand). Cytogenetic location: 1q43.
Variant type: single nucleotide variant.
Coding change: c.-5G>C on transcript NM_000143.4 (MANE Select); 5 bases upstream of the start codon, G replaced by C.
Molecular consequence: 5 prime UTR variant.
Genome position (GRCh38, 1-based): chr1:241,519,727, C>G on the plus strand (G>C on the coding strand, the complement: FH is on the minus strand). VCF-style: chr1-241519727-C-G. GRCh37 (hg19) VCF-style: chr1-241683027-C-G.
Identifiers: ClinVar variation 4827311 (VCV004827311.1).